The following is an entry in ClinVar:

NM_025114.4(CEP290):c.4555A>G (p.Ile1519Val)

Gene: CEP290 (centrosomal protein 290; minus strand). Cytogenetic location: 12q21.32.
Variant type: single nucleotide variant.
Coding change: c.4555A>G on transcript NM_025114.4 (MANE Select); coding-DNA position 4555, A replaced by G.
Protein change: p.Ile1519Val; replaces isoleucine 1519 with valine.
Molecular consequence: missense variant.
Genome position (GRCh38, 1-based): chr12:88,084,735, T>C on the plus strand (A>G on the coding strand, the complement: CEP290 is on the minus strand). VCF-style: chr12-88084735-T-C. GRCh37 (hg19) VCF-style: chr12-88478512-T-C.
Other names: short protein forms I1519V.
Identifiers: ClinVar variation 881846 (VCV000881846.8), dbSNP rs200817579, ClinGen allele CA6711915.

ClinVar aggregate classification (germline): Uncertain significance. Review status: criteria provided, multiple submitters, no conflicts (2 of 4 stars). 8 submissions from 4 submitters: Uncertain significance (8). Last evaluated 2024-12-06.

Conditions:
CEP290-related disorder. Also called: CEP290-related condition; CEP290-related disorders. Identifiers: MedGen CN239314.
Senior-Loken syndrome 6 (SLSN6). Identifiers: Orphanet 3156, MedGen C1857779, MONDO:0012433, OMIM 610189.
Joubert syndrome 5 (JBTS5). Identifiers: Orphanet 2318, MedGen C1857780, MONDO:0012432, OMIM 610188.
Leber congenital amaurosis 10 (LCA10). Identifiers: Orphanet 65, MedGen C1857821, MONDO:0012723, OMIM 611755.
Bardet-Biedl syndrome 14 (BBS14). Identifiers: Orphanet 110, MedGen C2673874, MONDO:0014442, OMIM 615991.
Meckel syndrome, type 4 (MKS4). Also called: MECKEL-GRUBER SYNDROME, TYPE 4. Identifiers: Orphanet 564, MedGen C1970161, MONDO:0012626, OMIM 611134.
Meckel-Gruber syndrome. Also called: Dysencephalia splachnocystica; DYSENCEPHALIA SPLANCHNOCYSTICA; GRUBER SYNDROME. Identifiers: Orphanet 564, MedGen C0265215, MONDO:0018921.
Nephronophthisis. Also called: Juvenile Nephronophthisis. Identifiers: Orphanet 655, MedGen C0687120, MONDO:0019005, HP:0000090.
Joubert syndrome. Also called: JOUBERT-BOLTSHAUSER SYNDROME; Familial aplasia of the vermis. Identifiers: Orphanet 475, MedGen C5979921, MONDO:0018772.

Allele frequency attached by ClinVar (database versions not stated): TOPMed 0.00001.
gnomAD v4.1: 6 of 1,613,690 alleles (0.00037%); highest among the groups gnomAD compares: African/African-American, 0.0013%; no homozygotes.

Submissions (8):

PreventionGenetics, part of Exact Sciences
Classification: Uncertain significance for CEP290-related condition. Last evaluated: 2024-12-06. Review status: criteria provided, single submitter. Criteria: ACMG Guidelines, 2015. Collection method: clinical testing. Allele origin: germline.
Comment: The CEP290 c.4555A>G variant is predicted to result in the amino acid substitution p.Ile1519Val. To our knowledge, this variant has not been reported in the literature. This variant is reported in 0.0018% of alleles in individuals of European (Non-Finnish) descent in gnomAD. At this time, the clinical significance of this variant is uncertain due to the absence of conclusive functional and genetic evidence.

Labcorp Genetics (formerly Invitae), Labcorp
Classification: Uncertain significance for Joubert syndrome; Meckel-Gruber syndrome; Nephronophthisis. Last evaluated: 2022-07-05. Review status: criteria provided, single submitter. Criteria: Invitae Variant Classification Sherloc (09022015). Collection method: clinical testing. Allele origin: germline.
Comment: This sequence change replaces isoleucine, which is neutral and non-polar, with valine, which is neutral and non-polar, at codon 1519 of the CEP290 protein (p.Ile1519Val). This variant is present in population databases (rs200817579, gnomAD 0.0009%). This variant has not been reported in the literature in individuals affected with CEP290-related conditions. ClinVar contains an entry for this variant (Variation ID: 881846). Algorithms developed to predict the effect of missense changes on protein structure and function (SIFT, PolyPhen-2, Align-GVGD) all suggest that this variant is likely to be tolerated. In summary, the available evidence is currently insufficient to determine the role of this variant in disease. Therefore, it has been classified as a Variant of Uncertain Significance.

Fulgent Genetics
Classification: Uncertain significance for Joubert syndrome 5; Senior-Loken syndrome 6; Meckel syndrome, type 4; Leber congenital amaurosis 10; Bardet-Biedl syndrome 14. Last evaluated: 2022-01-13. Review status: criteria provided, single submitter. Criteria: ACMG Guidelines, 2015. Collection method: clinical testing. Allele origin: unknown.

Illumina Laboratory Services, Illumina
Classification: Uncertain significance for Senior-Loken syndrome 6. Last evaluated: 2017-04-27. Review status: criteria provided, single submitter. Criteria: ICSL Variant Classification Criteria 13 December 2019. Collection method: clinical testing. Allele origin: germline.

Illumina Laboratory Services, Illumina
Classification: Uncertain significance for Joubert syndrome 5. Last evaluated: 2017-04-27. Review status: criteria provided, single submitter. Criteria: ICSL Variant Classification Criteria 13 December 2019. Collection method: clinical testing. Allele origin: germline.

Illumina Laboratory Services, Illumina
Classification: Uncertain significance for Bardet-Biedl syndrome 14. Last evaluated: 2017-04-27. Review status: criteria provided, single submitter. Criteria: ICSL Variant Classification Criteria 13 December 2019. Collection method: clinical testing. Allele origin: germline.

Illumina Laboratory Services, Illumina
Classification: Uncertain significance for Meckel syndrome, type 4. Last evaluated: 2017-04-27. Review status: criteria provided, single submitter. Criteria: ICSL Variant Classification Criteria 13 December 2019. Collection method: clinical testing. Allele origin: germline.

Illumina Laboratory Services, Illumina
Classification: Uncertain significance for Leber congenital amaurosis 10. Last evaluated: 2017-04-27. Review status: criteria provided, single submitter. Criteria: ICSL Variant Classification Criteria 13 December 2019. Collection method: clinical testing. Allele origin: germline.